The following is an entry in ClinVar:

ClinVar aggregate classification (germline): Uncertain significance (1 of 4 stars; one submission).

Submission:

GeneDx
Classification: Uncertain significance. Last evaluated: 2023-06-30. Review status: criteria provided, single submitter. Criteria: GeneDx Variant Classification Process June 2021. Collection method: clinical testing. Allele origin: germline. Affected: yes.
Comment: Not observed at significant frequency in large population cohorts (gnomAD); In silico analysis supports that this missense variant has a deleterious effect on protein structure/function; Has not been previously published as pathogenic or benign to our knowledge

NM_004958.4(MTOR):c.4402G>T (p.Asp1468Tyr)

Gene: MTOR (mechanistic target of rapamycin kinase; minus strand). Cytogenetic location: 1p36.22.
Variant type: single nucleotide variant.
Coding change: c.4402G>T on transcript NM_004958.4 (MANE Select); coding-DNA position 4402, G replaced by T.
Protein change: p.Asp1468Tyr; replaces aspartic acid 1468 with tyrosine.
Molecular consequence: missense variant.
Genome position (GRCh38, 1-based): chr1:11,157,219, C>A on the plus strand (G>T on the coding strand, the complement: MTOR is on the minus strand). VCF-style: chr1-11157219-C-A. GRCh37 (hg19) VCF-style: chr1-11217276-C-A.
Other names: c.4402G>T, p.Asp1468Tyr (NM_001386500.1); c.3154G>T, p.Asp1052Tyr (NM_001386501.1); short protein forms D1052Y, D1468Y.
Identifiers: ClinVar variation 3360608 (VCV003360608.1).